The following is an entry in ClinVar:

ClinVar aggregate classification (germline): Uncertain significance. Review status: criteria provided, multiple submitters, no conflicts (2 of 4 stars). 3 submissions from 3 submitters: Uncertain significance (3). Last evaluated 2024-01-24.

Conditions:
Leukodystrophy, hypomyelinating, 7, with or without oligodontia and/or hypogonadotropic hypogonadism (HLD7). Also called: Ataxia, Delayed Dentition and Hypomyelination (ADDH); LEUKOENCEPHALOPATHY, HYPOMYELINATING, WITH ATAXIA AND DELAYED DENTITION; ATAXIA, DELAYED DENTITION, AND HYPOMYELINATION; LEUKODYSTROPHY, HYPOMYELINATING, 7, WITH OLIGODONTIA; LEUKODYSTROPHY, HYPOMYELINATING, 7, WITH OLIGODONTIA AND HYPOGONADOTROPIC HYPOGONADISM; LEUKODYSTROPHY, HYPOMYELINATING, 7, WITHOUT OLIGODONTIA OR HYPOGONADOTROPIC HYPOGONADISM. Identifiers: Orphanet 137639, Orphanet 447893, Orphanet 447896, Orphanet 77295, Orphanet 88637, MedGen CN034185, MONDO:0011897, OMIM 607694.

Allele frequency attached by ClinVar (database versions not stated): TOPMed 0.00003; ExAC 0.00004; gnomAD 0.00004 and 0.00005; gnomAD exomes 0.00004.

Submissions (3):

Broad Center for Mendelian Genomics, Broad Institute of MIT and Harvard
Classification: Uncertain significance for Leukodystrophy, hypomyelinating, 7, with or without oligodontia and/or hypogonadotropic hypogonadism. Last evaluated: 2024-01-24. Review status: criteria provided, single submitter. Criteria: ACMG Guidelines, 2015. Collection method: curation. Allele origin: germline. Inheritance: Autosomal recessive inheritance.
Comment: The p.Arg67His variant in POLR3A has been reported in 2 individuals, in the compound heterozygous and heterozygous state, with POLR3A-related disorders (PMID: 29451896, 34589056) and has been identified in 0.009799% (3/30616) of South Asian chromosomes by the Genome Aggregation Database (gnomAD; dbSNP ID: rs778357727). Although this variant has been seen in the general population in a heterozygous state, its frequency is low enough to be consistent with a recessive carrier frequency. This variant has also been reported in ClinVar (Variation ID#: 1304562) and has been interpreted as a variant of uncertain significance by GeneDx. Computational prediction tools, including splice predictors, and conservation analyses suggest that this variant may not impact the protein, though this information is not predictive enough to rule out pathogenicity. In summary, the clinical significance of the p.Arg67His variant is uncertain. ACMG/AMP Criteria applied: BP4, PM2_supporting (Richards 2015).

Labcorp Genetics (formerly Invitae), Labcorp
Classification: Uncertain significance. Last evaluated: 2022-10-24. Review status: criteria provided, single submitter. Criteria: Invitae Variant Classification Sherloc (09022015). Collection method: clinical testing. Allele origin: germline.
Comment: This sequence change replaces arginine, which is basic and polar, with histidine, which is basic and polar, at codon 67 of the POLR3A protein (p.Arg67His). This variant is present in population databases (rs778357727, gnomAD 0.01%). This missense change has been observed in individual(s) with leukodystrophy (PMID: 29451896). ClinVar contains an entry for this variant (Variation ID: 1304562). Advanced modeling of protein sequence and biophysical properties (such as structural, functional, and spatial information, amino acid conservation, physicochemical variation, residue mobility, and thermodynamic stability) performed at Invitae indicates that this missense variant is not expected to disrupt POLR3A protein function. In summary, the available evidence is currently insufficient to determine the role of this variant in disease. Therefore, it has been classified as a Variant of Uncertain Significance.

GeneDx
Classification: Uncertain significance. Last evaluated: 2021-01-06. Review status: criteria provided, single submitter. Criteria: GeneDx Variant Classification Process June 2021. Collection method: clinical testing. Allele origin: germline. Affected: yes.
Comment: Not observed at a significant frequency in large population cohorts (Lek et al., 2016); In silico analysis supports that this missense variant does not alter protein structure/function; This variant is associated with the following publications: (PMID: 29451896)

Literature cited by the submitters: PubMed 29451896 (cited by Labcorp Genetics (formerly Invitae), Labcorp).

NM_007055.4(POLR3A):c.200G>A (p.Arg67His)

Genes: POLR3A (RNA polymerase III subunit A; minus strand), LOC126860971 (CDK7 strongly-dependent group 2 enhancer GRCh37_chr10:79784551-79785750; plus strand). Cytogenetic location: 10q22.3.
Variant type: single nucleotide variant.
Coding change: c.200G>A on transcript NM_007055.4 (MANE Select); coding-DNA position 200, G replaced by A.
Protein change: p.Arg67His; replaces arginine 67 with histidine.
Molecular consequence: missense variant.
Genome position (GRCh38, 1-based): chr10:78,025,740, C>T on the plus strand (G>A on the coding strand, the complement: POLR3A is on the minus strand). VCF-style: chr10-78025740-C-T. GRCh37 (hg19) VCF-style: chr10-79785498-C-T.
Other names: NM_007055.4(POLR3A):c.200G>A; p.Arg67His; short protein forms R67H.
Identifiers: ClinVar variation 1304562 (VCV001304562.4), dbSNP rs778357727, ClinGen allele CA5571761.